The following is an entry in ClinVar:

Conditions:
Breast-ovarian cancer, familial, susceptibility to, 1 (BROVCA1). Also called: BRCA1 Hereditary Breast and Ovarian Cancer; OVARIAN CANCER, SUSCEPTIBILITY TO. Identifiers: Orphanet 145, MedGen C2676676, MONDO:0011450, OMIM 604370. Disease mechanism: loss of function.

Submission:

Brotman Baty Institute, University of Washington
No classification provided (evidence only). Condition: Breast-ovarian cancer, familial 1. Review status: no classification provided. Collection method: in vitro. Allele origin: not applicable. Functional consequence: functionally_abnormal.
ClinVar note: "not provided" was previously submitted as the classification for the variant. However, the classification appeared to be based only on an observation of functional data so it was converted to no classification on 2025-07-30.

NM_007294.4(BRCA1):c.5106A>C (p.Lys1702Asn)

Gene: BRCA1 (BRCA1 DNA repair associated; minus strand). Cytogenetic location: 17q21.31.
Variant type: single nucleotide variant.
Coding change: c.5106A>C on transcript NM_007294.4 (MANE Select); coding-DNA position 5106, A replaced by C.
Protein change: p.Lys1702Asn; replaces lysine 1702 with asparagine.
Molecular consequence: missense variant. On other transcripts: non-coding transcript variant (1).
Genome position (GRCh38, 1-based): chr17:43,063,920, T>G on the plus strand (A>C on the coding strand, the complement: BRCA1 is on the minus strand). VCF-style: chr17-43063920-T-G. GRCh37 (hg19) VCF-style: chr17-41215937-T-G.
Other names: c.4959A>C, p.Lys1653Asn (NM_001407847.1, NM_001407848.1, NM_001407849.1 and 12 more transcripts); c.4899A>C, p.Lys1633Asn (NM_001407875.1, NM_001407874.1); c.4896A>C, p.Lys1632Asn (NM_001407879.1, NM_001407881.1, NM_001407882.1 and 5 more transcripts); c.4893A>C, p.Lys1631Asn (NM_001407907.1, NM_001407908.1, NM_001407909.1 and 12 more transcripts); c.4890A>C, p.Lys1630Asn (NM_001407915.1, NM_001407916.1, NM_001407917.1 and 1 more transcripts); c.4983A>C, p.Lys1661Asn (NM_001407919.1, NM_001407937.1, NM_001407938.1 and 6 more transcripts); c.4839A>C, p.Lys1613Asn (NM_001407930.1, NM_001407931.1, NM_001407932.1 and 4 more transcripts); c.4836A>C, p.Lys1612Asn (NM_001407934.1, NM_001407935.1, NM_001407936.1); and 71 more; short protein forms K1655N, K1702N, K1723N, K598N, K1405N, K1575N, K1591N, K1612N.
Identifiers: ClinVar variation 868653 (VCV000868653.3), dbSNP rs1060504574, ClinGen allele CA10591317.
Genomic context (GRCh38, chr17:43,063,920, plus strand): 5'-AGTATTATACTTACAGAAATAGCTAACTACCCATTTTCCTCCCGCAATTCCTAGAAAATA[T>G]TTCAGTGTCCGTTCACACACAAACTCAGCATCTGCAGAATGAAAAACACTCAAAGGATTA-3'
Protein context (NP_009225.1, residues 1692-1712): DAEFVCERTL[Lys1702Asn]YFLGIAGGKW